The following is an entry in ClinVar:

ClinVar aggregate classification (germline): Pathogenic/Likely pathogenic. Review status: criteria provided, multiple submitters, no conflicts (2 of 4 stars). 2 submissions from 2 submitters: Pathogenic (1); Likely pathogenic (1). Last evaluated 2026-09-01.

Conditions:
Achondrogenesis type II (ACG2). Also called: ACHONDROGENESIS, LANGER-SALDINO TYPE; CHONDROGENESIS IMPERFECTA. Identifiers: Orphanet 932, Orphanet 93296, MedGen C0220685, MONDO:0008702, OMIM 200610.

Submissions (2):

GeneDx
Classification: Pathogenic. Last evaluated: 2026-09-01. Review status: criteria provided, single submitter. Criteria: GeneDx Variant Classification Process June 2021. Collection method: clinical testing. Allele origin: germline.
Comment: Occurs in the triple helical domain and replaces a glycine in a canonical Gly-X-Y repeat; missense substitution of a canonical glycine residue is expected to disrupt normal protein folding and function, and this is an established mechanism of disease (PMID: 34007986); In silico analysis supports that this missense variant has a deleterious effect on protein structure/function; Not observed at significant frequency in large population cohorts (gnomAD); This variant is associated with the following publications: (PMID: 22913777, 27059630, 23079993, 34007986)

Institute of Human Genetics, Cologne University
Classification: Likely pathogenic for Achondrogenesis type II. Last evaluated: 2023-08-01. Review status: criteria provided, single submitter. Criteria: ACMG Guidelines, 2015. Collection method: clinical testing. Allele origin: germline. Affected: yes.

NM_001844.5(COL2A1):c.2401G>A (p.Gly801Ser)

Gene: COL2A1 (collagen type II alpha 1 chain; minus strand). Cytogenetic location: 12q13.11.
Variant type: single nucleotide variant.
Coding change: c.2401G>A on transcript NM_001844.5 (MANE Select); coding-DNA position 2401, G replaced by A.
Protein change: p.Gly801Ser; replaces glycine 801 with serine.
Molecular consequence: missense variant.
Genome position (GRCh38, 1-based): chr12:47,981,784, C>T on the plus strand (G>A on the coding strand, the complement: COL2A1 is on the minus strand). VCF-style: chr12-47981784-C-T. GRCh37 (hg19) VCF-style: chr12-48375567-C-T.
Other names: c.2401G>A (NM_001844.4); c.2194G>A, p.Gly732Ser (NM_033150.3); short protein forms G732S, G801S.
Identifiers: ClinVar variation 2579694 (VCV002579694.3), dbSNP rs2540129721, ClinGen allele CA384545420.